The following is an entry in ClinVar:

ClinVar aggregate classification (germline): Uncertain significance (1 of 4 stars; one submission).

gnomAD v4.1: 14 of 1,613,952 alleles (0.00087%); highest among the groups gnomAD compares: South Asian, 0.015%; no homozygotes.

Submission:

Labcorp Genetics (formerly Invitae), Labcorp
Classification: Uncertain significance. Last evaluated: 2023-10-26. Review status: criteria provided, single submitter. Criteria: Invitae Variant Classification Sherloc (09022015). Collection method: clinical testing. Allele origin: germline.
Comment: This sequence change replaces serine, which is neutral and polar, with phenylalanine, which is neutral and non-polar, at codon 497 of the MYO3A protein (p.Ser497Phe). This variant is present in population databases (rs767997893, gnomAD 0.01%). This variant has not been reported in the literature in individuals affected with MYO3A-related conditions. Advanced modeling of protein sequence and biophysical properties (such as structural, functional, and spatial information, amino acid conservation, physicochemical variation, residue mobility, and thermodynamic stability) performed at Invitae indicates that this missense variant is not expected to disrupt MYO3A protein function with a negative predictive value of 80%. In summary, the available evidence is currently insufficient to determine the role of this variant in disease. Therefore, it has been classified as a Variant of Uncertain Significance.

NM_017433.5(MYO3A):c.1490C>T (p.Ser497Phe)

Gene: MYO3A (myosin IIIA; plus strand). Cytogenetic location: 10p12.1.
Variant type: single nucleotide variant.
Coding change: c.1490C>T on transcript NM_017433.5 (MANE Select); coding-DNA position 1490, C replaced by T.
Protein change: p.Ser497Phe; replaces serine 497 with phenylalanine.
Molecular consequence: missense variant.
Genome position (GRCh38, 1-based): chr10:26,088,333, C>T. VCF-style: chr10-26088333-C-T. GRCh37 (hg19) VCF-style: chr10-26377262-C-T.
Other names: short protein forms S497F.
Identifiers: ClinVar variation 2778053 (VCV002778053.3), dbSNP rs767997893, ClinGen allele CA5444677.